The following is an entry in ClinVar:

NM_001903.5(CTNNA1):c.588+3A>G

Gene: CTNNA1 (catenin alpha 1; plus strand). Cytogenetic location: 5q31.2.
Variant type: single nucleotide variant.
Coding change: c.588+3A>G on transcript NM_001903.5 (MANE Select); 3 bases into the intron after coding-DNA position 588, A replaced by G.
Molecular consequence: intron variant.
Genome position (GRCh38, 1-based): chr5:138,812,305, A>G. VCF-style: chr5-138812305-A-G. GRCh37 (hg19) VCF-style: chr5-138147994-A-G.
Other names: c.588+3A>G (NM_001903.2, NM_001323982.2, NM_001323984.2 and 4 more transcripts); c.219+3A>G (NM_001290310.3); c.279+3A>G (NM_001290309.3).
Identifiers: ClinVar variation 939928 (VCV000939928.8), dbSNP rs1758906996, ClinGen allele CA1139659082.

ClinVar aggregate classification (germline): Conflicting classifications of pathogenicity. Review status: criteria provided, conflicting classifications (1 of 4 stars). 2 submissions from 2 submitters: Uncertain significance (1); Likely benign (1). Last evaluated 2026-01-08.

Conditions:
Hereditary cancer-predisposing syndrome. Also called: Tumor predisposition; Hereditary neoplastic syndrome; Hereditary Cancer Syndrome; Neoplastic Syndromes, Hereditary. Identifiers: Orphanet 140162, MedGen C0027672, MeSH D009386, MONDO:0015356.

Allele frequency attached by ClinVar (database versions not stated): gnomAD exomes below 0.00001.
gnomAD v4.1: 2 of 1,609,872 alleles (0.00012%); highest among the groups gnomAD compares: Non-Finnish European, 0.000085%; no homozygotes.

Submissions (2):

Ambry Genetics
Classification: Uncertain significance for Hereditary cancer-predisposing syndrome. Last evaluated: 2026-01-08. Review status: criteria provided, single submitter. Criteria: Ambry Variant Classification Scheme 2023. Collection method: clinical testing. Allele origin: germline.
Comment: The c.588+3A>G intronic variant results from an A to G substitution 3 nucleotides after coding exon 4 in the CTNNA1 gene. This nucleotide position is highly conserved in available vertebrate species. In silico splice site analysis predicts that this alteration will not have any significant effect on splicing; however, direct evidence is insufficient at this time (Ambry internal data). Based on the available evidence, the clinical significance of this variant remains unclear.

Labcorp Genetics (formerly Invitae), Labcorp
Classification: Likely benign. Last evaluated: 2023-10-13. Review status: criteria provided, single submitter. Criteria: Invitae Variant Classification Sherloc (09022015). Collection method: clinical testing. Allele origin: germline.